The following is an entry in ClinVar:

ClinVar aggregate classification (germline): Conflicting classifications of pathogenicity. Review status: criteria provided, conflicting classifications (1 of 4 stars). 3 submissions from 3 submitters: Uncertain significance (2); Likely benign (1). Last evaluated 2024-03-01.

Conditions:
Inborn genetic diseases. Identifiers: MedGen C0950123, MeSH D030342.

Allele frequency attached by ClinVar (database versions not stated): gnomAD exomes 0.00001; ExAC 0.00002; gnomAD 0.00007; TOPMed 0.00013.
gnomAD v4.1: 19 of 1,612,794 alleles (0.0012%); highest among the groups gnomAD compares: Admixed American, 0.032%; no homozygotes.

Submissions (3):

GeneDx
Classification: Uncertain significance. Last evaluated: 2024-03-01. Review status: criteria provided, single submitter. Criteria: GeneDx Variant Classification Process June 2021. Collection method: clinical testing. Allele origin: germline. Affected: yes.
Comment: Not observed at significant frequency in large population cohorts (gnomAD); In silico analysis supports that this missense variant does not alter protein structure/function; Has not been previously published as pathogenic or benign to our knowledge

Labcorp Genetics (formerly Invitae), Labcorp
Classification: Uncertain significance. Last evaluated: 2022-10-17. Review status: criteria provided, single submitter. Criteria: Invitae Variant Classification Sherloc (09022015). Collection method: clinical testing. Allele origin: germline.
Comment: In summary, the available evidence is currently insufficient to determine the role of this variant in disease. Therefore, it has been classified as a Variant of Uncertain Significance. Algorithms developed to predict the effect of missense changes on protein structure and function output the following: SIFT: "Tolerated"; PolyPhen-2: "Benign"; Align-GVGD: "Class C0". The isoleucine amino acid residue is found in multiple mammalian species, which suggests that this missense change does not adversely affect protein function. This variant has not been reported in the literature in individuals affected with NDUFA9-related conditions. This variant is present in population databases (rs761201299, gnomAD 0.01%). This sequence change replaces methionine, which is neutral and non-polar, with isoleucine, which is neutral and non-polar, at codon 220 of the NDUFA9 protein (p.Met220Ile).

Ambry Genetics
Classification: Likely benign for Inborn genetic diseases. Last evaluated: 2022-08-18. Review status: criteria provided, single submitter. Criteria: Ambry Variant Classification Scheme 2023. Collection method: clinical testing. Allele origin: germline.

NM_005002.5(NDUFA9):c.660G>A (p.Met220Ile)

Gene: NDUFA9 (NADH:ubiquinone oxidoreductase subunit A9; plus strand). Cytogenetic location: 12p13.32.
Variant type: single nucleotide variant.
Coding change: c.660G>A on transcript NM_005002.5 (MANE Select); coding-DNA position 660, G replaced by A.
Protein change: p.Met220Ile; replaces methionine 220 with isoleucine.
Molecular consequence: missense variant.
Genome position (GRCh38, 1-based): chr12:4,668,461, G>A. VCF-style: chr12-4668461-G-A. GRCh37 (hg19) VCF-style: chr12-4777627-G-A.
Other names: short protein forms M220I.
Identifiers: ClinVar variation 2173170 (VCV002173170.6), dbSNP rs761201299, ClinGen allele CA6398195.